The following is an entry in ClinVar:

ClinVar aggregate classification (germline): Benign/Likely benign. Review status: criteria provided, multiple submitters, no conflicts (2 of 4 stars). 3 submissions from 3 submitters: Benign (1); Likely benign (2). Last evaluated 2025-10-09.

Conditions:
Hereditary cancer-predisposing syndrome. Also called: Hereditary Cancer Syndrome; Tumor predisposition; Neoplastic Syndromes, Hereditary; Hereditary neoplastic syndrome. Identifiers: Orphanet 140162, MedGen C0027672, MeSH D009386, MONDO:0015356.
Familial cancer of breast. Also called: Hereditary breast cancer; BREAST CANCER, FAMILIAL; hereditary breast carcinoma. Identifiers: Orphanet 227535, MedGen C0346153, MONDO:0016419, OMIM 114480. Disease mechanism: loss of function.
Ataxia-telangiectasia syndrome (AT). Also called: Ataxia telangiectasia (A-T); Cerebello-oculocutaneous telangiectasia; Immunodeficiency with ataxia telangiectasia; AT, COMPLEMENTATION GROUP C; LOUIS-BAR SYNDROME; Ataxia-telangiectasia, complementation group E. Identifiers: Orphanet 100, MedGen C0004135, MONDO:0008840, OMIM 208900.

Allele frequency attached by ClinVar (database versions not stated): TOPMed 0.00001.

Submissions (3):

Labcorp Genetics (formerly Invitae), Labcorp
Classification: Likely benign for Ataxia-telangiectasia syndrome. Last evaluated: 2025-10-09. Review status: criteria provided, single submitter. Criteria: Invitae Variant Classification Sherloc (09022015). Collection method: clinical testing. Allele origin: germline.

Myriad Genetics, Inc.
Classification: Benign for Familial cancer of breast. Last evaluated: 2024-05-15. Review status: criteria provided, single submitter. Criteria: Myriad Autosomal Dominant, Autosomal Recessive and X-Linked Classification Criteria (2023). Collection method: clinical testing. Allele origin: unknown.
Comment: This variant is considered benign. This variant is a silent/synonymous amino acid change and it is not expected to impact splicing.

Ambry Genetics
Classification: Likely benign for Hereditary cancer-predisposing syndrome. Last evaluated: 2020-07-21. Review status: criteria provided, single submitter. Criteria: Ambry Variant Classification Scheme 2023. Collection method: clinical testing. Allele origin: germline.

NM_000051.4(ATM):c.3960T>C (p.Asp1320=)

Gene: ATM (ATM serine/threonine kinase; plus strand). Cytogenetic location: 11q22.3.
Variant type: single nucleotide variant.
Coding change: c.3960T>C on transcript NM_000051.4 (MANE Select); coding-DNA position 3960, T replaced by C.
Protein change: p.Asp1320=; no amino-acid change (aspartic acid 1320 retained).
Molecular consequence: synonymous variant.
Genome position (GRCh38, 1-based): chr11:108,284,440, T>C. VCF-style: chr11-108284440-T-C. GRCh37 (hg19) VCF-style: chr11-108155167-T-C.
Other names: c.3960T>C, p.Asp1320= (NM_001351834.2).
Identifiers: ClinVar variation 1596053 (VCV001596053.11), dbSNP rs995275833, ClinGen allele CA228368322.
Genomic context (GRCh38, chr11:108,284,440, plus strand): 5'-TGAGGGTACCAGAGACAGTGGGATGGCACAGCAAAGAGAGACTGCTACCAAGGTCTATGA[T>C]ATGCTTAAAAGTGAAAACTTATTGGGAAAACAGGTATGGCTTCAATTTTTATGTACTTTT-3'
Protein context (NP_000042.3, residues 1310-1330): QQRETATKVY[Asp1320=]MLKSENLLGK